The following is an entry in ClinVar:

ClinVar aggregate classification (germline): Uncertain significance. Review status: criteria provided, multiple submitters, no conflicts (2 of 4 stars). 2 submissions from 2 submitters: Uncertain significance (2). Last evaluated 2024-09-08.

Conditions:
Hereditary cancer-predisposing syndrome. Also called: Hereditary Cancer Syndrome; Hereditary neoplastic syndrome; Neoplastic Syndromes, Hereditary; Tumor predisposition. Identifiers: Orphanet 140162, MedGen C0027672, MeSH D009386, MONDO:0015356.
Ataxia-telangiectasia syndrome (AT). Also called: Ataxia-telangiectasia, complementation group E; LOUIS-BAR SYNDROME; Cerebello-oculocutaneous telangiectasia; Immunodeficiency with ataxia telangiectasia; Ataxia-telangiectasia, complementation group D; AT, COMPLEMENTATION GROUP C. Identifiers: Orphanet 100, MedGen C0004135, MONDO:0008840, OMIM 208900.

Submissions (2):

Labcorp Genetics (formerly Invitae), Labcorp
Classification: Uncertain significance for Ataxia-telangiectasia syndrome. Last evaluated: 2024-09-08. Review status: criteria provided, single submitter. Criteria: Invitae Variant Classification Sherloc (09022015). Collection method: clinical testing. Allele origin: germline.
Comment: This sequence change replaces alanine, which is neutral and non-polar, with valine, which is neutral and non-polar, at codon 920 of the ATM protein (p.Ala920Val). This variant is not present in population databases (gnomAD no frequency). This variant has not been reported in the literature in individuals affected with ATM-related conditions. ClinVar contains an entry for this variant (Variation ID: 923964). An algorithm developed to predict the effect of missense changes on protein structure and function (PolyPhen-2) suggests that this variant is likely to be tolerated. In summary, the available evidence is currently insufficient to determine the role of this variant in disease. Therefore, it has been classified as a Variant of Uncertain Significance.

Color Diagnostics, LLC DBA Color Health
Classification: Uncertain significance for Hereditary cancer-predisposing syndrome. Last evaluated: 2023-05-05. Review status: criteria provided, single submitter. Criteria: ACMG Guidelines, 2015. Collection method: clinical testing. Allele origin: germline.
Comment: This missense variant replaces alanine with valine at codon 920 of the ATM protein. Computational prediction suggests that this variant may not impact protein structure and function (internally defined REVEL score threshold <= 0.5, PMID: 27666373). To our knowledge, functional studies have not been reported for this variant. This variant has not been reported in individuals affected with ATM-related disorders in the literature. This variant has not been identified in the general population by the Genome Aggregation Database (gnomAD). The available evidence is insufficient to determine the role of this variant in disease conclusively. Therefore, this variant is classified as a Variant of Uncertain Significance.

NM_000051.4(ATM):c.2759C>T (p.Ala920Val)

Gene: ATM (ATM serine/threonine kinase; plus strand). Cytogenetic location: 11q22.3.
Variant type: single nucleotide variant.
Coding change: c.2759C>T on transcript NM_000051.4 (MANE Select); coding-DNA position 2759, C replaced by T.
Protein change: p.Ala920Val; replaces alanine 920 with valine.
Molecular consequence: missense variant.
Genome position (GRCh38, 1-based): chr11:108,268,530, C>T. VCF-style: chr11-108268530-C-T. GRCh37 (hg19) VCF-style: chr11-108139257-C-T.
Other names: c.2759C>T, p.Ala920Val (NM_001351834.2); short protein forms A920V.
Identifiers: ClinVar variation 923964 (VCV000923964.7), dbSNP rs780216086, ClinGen allele CA382545471.